The following is an entry in ClinVar:

ClinVar aggregate classification (germline): Uncertain significance (1 of 4 stars; one submission).

gnomAD v4.1: 1 of 1,211,760 alleles (0.000083%); no homozygotes.

Submission:

Labcorp Genetics (formerly Invitae), Labcorp
Classification: Uncertain significance. Last evaluated: 2023-03-29. Review status: criteria provided, single submitter. Criteria: Invitae Variant Classification Sherloc (09022015). Collection method: clinical testing. Allele origin: germline.
Comment: In summary, the available evidence is currently insufficient to determine the role of this variant in disease. Therefore, it has been classified as a Variant of Uncertain Significance. Advanced modeling of protein sequence and biophysical properties (such as structural, functional, and spatial information, amino acid conservation, physicochemical variation, residue mobility, and thermodynamic stability) performed at Invitae indicates that this missense variant is not expected to disrupt BGN protein function. This variant has not been reported in the literature in individuals affected with BGN-related conditions. This variant is not present in population databases (gnomAD no frequency). This sequence change replaces phenylalanine, which is neutral and non-polar, with leucine, which is neutral and non-polar, at codon 134 of the BGN protein (p.Phe134Leu).

NM_001711.6(BGN):c.400T>C (p.Phe134Leu)

Gene: BGN (biglycan; plus strand). Cytogenetic location: Xq28.
Variant type: single nucleotide variant.
Coding change: c.400T>C on transcript NM_001711.6 (MANE Select); coding-DNA position 400, T replaced by C.
Protein change: p.Phe134Leu; replaces phenylalanine 134 with leucine.
Molecular consequence: missense variant.
Genome position (GRCh38, 1-based): chrX:153,505,911, T>C. VCF-style: chrX-153505911-T-C. GRCh37 (hg19) VCF-style: chrX-152771369-T-C.
Other names: short protein forms F134L.
Identifiers: ClinVar variation 2827860 (VCV002827860.3), dbSNP rs2521213262, ClinGen allele CA415069332.
Genomic context (GRCh38, chrX:153,505,911, plus strand): 5'-ACCCTGCTTCAGGCCCTCGTCCTGGTGAACAACAAGATCTCCAAGATCCATGAGAAGGCC[T>C]TCAGCCCACTGCGGAAGCTGCAGAAGCTCTACATCTCCAAGAACCACCTGGTGGAGATCC-3'
Protein context (NP_001702.1, residues 124-144): NKISKIHEKA[Phe134Leu]SPLRKLQKLY